The following is an entry in ClinVar:

NM_152641.4(ARID2):c.2923T>C (p.Ser975Pro)

Gene: ARID2 (AT-rich interaction domain 2; plus strand). Cytogenetic location: 12q12.
Variant type: single nucleotide variant.
Coding change: c.2923T>C on transcript NM_152641.4 (MANE Select); coding-DNA position 2923, T replaced by C.
Protein change: p.Ser975Pro; replaces serine 975 with proline.
Molecular consequence: missense variant.
Genome position (GRCh38, 1-based): chr12:45,851,046, T>C. VCF-style: chr12-45851046-T-C. GRCh37 (hg19) VCF-style: chr12-46244829-T-C.
Other names: c.2923T>C, p.Ser975Pro (NM_001347839.2); short protein forms S975P.
Identifiers: ClinVar variation 2580583 (VCV002580583.1), dbSNP rs2138167372, ClinGen allele CA384481013.

ClinVar aggregate classification (germline): Uncertain significance (1 of 4 stars; one submission).

Allele frequency attached by ClinVar (database versions not stated): gnomAD exomes below 0.00001.
gnomAD v4.1: 4 of 1,614,116 alleles (0.00025%); highest among the groups gnomAD compares: Non-Finnish European, 0.00034%; no homozygotes.

Submission:

GeneDx
Classification: Uncertain significance. Last evaluated: 2023-03-24. Review status: criteria provided, single submitter. Criteria: GeneDx Variant Classification Process June 2021. Collection method: clinical testing. Allele origin: germline. Affected: yes.
Comment: Not observed at significant frequency in large population cohorts (gnomAD); In silico analysis supports that this missense variant does not alter protein structure/function; Has not been previously published as pathogenic or benign germline variant to our knowledge; This variant is associated with the following publications: (PMID: 34042280)